The following is an entry in ClinVar:

ClinVar aggregate classification (germline): Pathogenic (1 of 4 stars; one submission).

Conditions:
Mucolipidosis type II. Also called: Mucolipidosis II Alpha/Beta; ML II ALPHA/BETA; Mucolipidosis 2; ML 2; Inclusion cell disease; Leroy Disease. Identifiers: Orphanet 576, MedGen C2673377, MONDO:0009650, OMIM 252500.
Pseudo-Hurler polydystrophy. Also called: MUCOLIPIDOSIS IIIA; ML III; ML III ALPHA/BETA; Type III Mucolipidosis; ML IIIA; Mucolipidosis III Alpha/Beta. Identifiers: Orphanet 423461, Orphanet 577, MedGen C0033788, MONDO:0018931, OMIM 252600.

Submission:

Labcorp Genetics (formerly Invitae), Labcorp
Classification: Pathogenic for Pseudo-Hurler polydystrophy; Mucolipidosis type II. Last evaluated: 2019-12-27. Review status: criteria provided, single submitter. Criteria: Invitae Variant Classification Sherloc (09022015). Collection method: clinical testing. Allele origin: germline.
Comment: For these reasons, this variant has been classified as Pathogenic. Loss-of-function variants in GNPTAB are known to be pathogenic (PMID: 19617216, 25107912). This variant has not been reported in the literature in individuals with GNPTAB-related conditions. This variant is a gross deletion of the genomic region encompassing exons 2-21 of the GNPTAB gene. The 5' boundary is likely confined to intron 1. The 3' end of this event is unknown as it extends through the termination codon beyond the assayed region for this gene and may encompass additional genes. While this deletion is not anticipated to result in nonsense mediated decay, it is expected to create a truncated protein product or disrupt mRNA translation.

Literature cited by the submitters: PubMed 19617216; PubMed 25107912.

NC_000012.12:g.(?_101747144)_(101796782_?)del

Gene: GNPTAB (N-acetylglucosamine-1-phosphate transferase subunits alpha and beta; minus strand). Cytogenetic location: 12q23.2.
Variant type: Deletion.
Identifiers: ClinVar variation 831427 (VCV000831427.7).